The following is an entry in ClinVar:

ClinVar aggregate classification (germline): Uncertain significance (1 of 4 stars; one submission).

Conditions:
SEMA3F-related disorder. Also called: SEMA3F-related condition.

gnomAD v4.1: 11 of 1,579,176 alleles (0.0007%); highest among the groups gnomAD compares: Non-Finnish European, 0.00095%; no homozygotes.

Submission:

PreventionGenetics, part of Exact Sciences
Classification: Uncertain significance for SEMA3F-related condition. Last evaluated: 2025-12-22. Review status: criteria provided, single submitter. Criteria: ACMG Guidelines, 2015. Collection method: clinical testing. Allele origin: germline.
Comment: The SEMA3F c.549+5G>A variant is predicted to interfere with splicing. To our knowledge, this variant has not been reported in the literature. This variant is reported in 0.0081% of alleles in individuals of African descent in gnomAD. At this time, the clinical significance of this variant is uncertain due to the absence of conclusive functional and genetic evidence.

NM_004186.5(SEMA3F):c.549+5G>A

Gene: SEMA3F (semaphorin 3F; plus strand). Cytogenetic location: 3p21.31.
Variant type: single nucleotide variant.
Coding change: c.549+5G>A on transcript NM_004186.5 (MANE Select); 5 bases into the intron after coding-DNA position 549, G replaced by A.
Molecular consequence: intron variant.
Genome position (GRCh38, 1-based): chr3:50,175,193, G>A. VCF-style: chr3-50175193-G-A. GRCh37 (hg19) VCF-style: chr3-50212626-G-A.
Other names: c.252+843G>A (NM_001318798.2); c.456+843G>A (NM_001318800.2).
Identifiers: ClinVar variation 4979135 (VCV004979135.1).